The following is an entry in ClinVar:

ClinVar aggregate classification (germline): Conflicting classifications of pathogenicity. Review status: criteria provided, conflicting classifications (1 of 4 stars). 4 submissions from 4 submitters: Uncertain significance (1); Benign (1); Likely benign (2). Last evaluated 2026-08-01.

Conditions:
GLIS3-related disorder. Also called: GLIS3-related condition.
Neonatal diabetes mellitus with congenital hypothyroidism. Also called: NDH SYNDROME. Identifiers: Orphanet 79118, MedGen C1857775, MONDO:0012436, OMIM 610199.

Allele frequency attached by ClinVar (database versions not stated): gnomAD 0.00029; TOPMed 0.00032; gnomAD exomes 0.00033 and 0.00034; ExAC 0.00039; ESP Exome Variant Server 0.00062.
gnomAD v4.1: 524 of 1,610,434 alleles (0.033%); highest among the groups gnomAD compares: Middle Eastern, 0.25%; 3 homozygotes.

Submissions (4):

CeGaT Center for Human Genetics Tuebingen
Classification: Likely benign. Last evaluated: 2026-08-01. Review status: criteria provided, single submitter. Criteria: CeGaT Center For Human Genetics Tuebingen Variant Classification Criteria Version 2. Collection method: clinical testing. Allele origin: germline. Affected: yes. Observed: 3 variant alleles.
Comment: GLIS3: BP4, BP7

PreventionGenetics, part of Exact Sciences
Classification: Likely benign for GLIS3-related condition. Last evaluated: 2026-05-01. Review status: criteria provided, single submitter. Criteria: ACMG Guidelines, 2015. Collection method: clinical testing. Allele origin: germline.
Comment: This variant is classified as likely benign based on ACMG/AMP sequence variant interpretation guidelines (Richards et al. 2015 PMID: 25741868, with internal and published modifications).

Labcorp Genetics (formerly Invitae), Labcorp
Classification: Benign. Last evaluated: 2026-01-25. Review status: criteria provided, single submitter. Criteria: Invitae Variant Classification Sherloc (09022015). Collection method: clinical testing. Allele origin: germline.

Illumina Laboratory Services, Illumina
Classification: Uncertain significance for Neonatal diabetes mellitus with congenital hypothyroidism. Last evaluated: 2018-01-13. Review status: criteria provided, single submitter. Criteria: ICSL Variant Classification Criteria 13 December 2019. Collection method: clinical testing. Allele origin: germline.

NM_001042413.2(GLIS3):c.1056G>C (p.Leu352=)

Gene: GLIS3 (GLIS family zinc finger 3; minus strand). Cytogenetic location: 9p24.2.
Variant type: single nucleotide variant.
Coding change: c.1056G>C on transcript NM_001042413.2 (MANE Select); coding-DNA position 1056, G replaced by C.
Protein change: p.Leu352=; no amino-acid change (leucine 352 retained).
Molecular consequence: synonymous variant.
Genome position (GRCh38, 1-based): chr9:4,118,422, C>G on the plus strand (G>C on the coding strand, the complement: GLIS3 is on the minus strand). VCF-style: chr9-4118422-C-G. GRCh37 (hg19) VCF-style: chr9-4118422-C-G.
Other names: c.591G>C, p.Leu197= (NM_152629.4).
Identifiers: ClinVar variation 366986 (VCV000366986.39), dbSNP rs140880100, ClinGen allele CA4968319.